The following is an entry in ClinVar:

NM_004006.3(DMD):c.2386G>A (p.Val796Ile)

Gene: DMD (dystrophin; minus strand). Cytogenetic location: Xp21.1.
Variant type: single nucleotide variant.
Coding change: c.2386G>A on transcript NM_004006.3 (MANE Select); coding-DNA position 2386, G replaced by A.
Protein change: p.Val796Ile; replaces valine 796 with isoleucine.
Molecular consequence: missense variant.
Genome position (GRCh38, 1-based): chrX:32,491,513, C>T on the plus strand (G>A on the coding strand, the complement: DMD is on the minus strand). VCF-style: chrX-32491513-C-T. GRCh37 (hg19) VCF-style: chrX-32509630-C-T.
Other names: c.2362G>A, p.Val788Ile (NM_000109.4); c.2374G>A, p.Val792Ile (NM_004009.3); c.2017G>A, p.Val673Ile (NM_004010.3); short protein forms V673I, V788I, V792I.
Identifiers: ClinVar variation 94509 (VCV000094509.31), dbSNP rs139726281, ClinGen allele CA147815.
Genomic context (GRCh38, chrX:32,491,513, plus strand): 5'-AGAATTCGATCCACCGGCTGTTCAGTTGTTCTGAGGCTTGTTTGATGCTATCTGCATTAA[C>T]ACCCTCTAGAAAGAAAAAAATAATTAAATATATCCCCTGAACCCACAGACTGAAAGAAAT-3'
Protein context (NP_003997.2, residues 786-806): ALVEQMVNEG[Val796Ile]NADSIKQASE

ClinVar aggregate classification (germline): Benign/Likely benign. Review status: criteria provided, multiple submitters, no conflicts (2 of 4 stars). 11 submissions from 11 submitters: Benign (4); Likely benign (3). 4 of the submissions do not count toward it. Last evaluated 2026-04-02.

Conditions:
Becker muscular dystrophy (BMD). Also called: Becker Muscular Dystrophy (BMD); MUSCULAR DYSTROPHY, PSEUDOHYPERTROPHIC PROGRESSIVE, BECKER TYPE. Identifiers: Orphanet 98895, MedGen C0917713, MONDO:0010311, OMIM 300376.
Duchenne muscular dystrophy (DMD). Also called: Duchenne Muscular Dystrophy (DMD); MUSCULAR DYSTROPHY, PSEUDOHYPERTROPHIC PROGRESSIVE, DUCHENNE TYPE. Identifiers: Orphanet 98896, MedGen C0013264, MONDO:0010679, OMIM 310200.
Cardiomyopathy (CMYO). Also called: Cardiomyopathies. Identifiers: Orphanet 167848, MedGen C0878544, MONDO:0004994, HP:0001638. Inheritance: Various modes of inheritance.
Dystrophin deficiency.
Cardiovascular phenotype. Identifiers: MedGen CN230736.

Allele frequency attached by ClinVar (database versions not stated): gnomAD 0.00023; TOPMed 0.00031; ESP Exome Variant Server 0.00047.
gnomAD v4.1: 424 of 1,206,377 alleles (0.035%); highest among the groups gnomAD compares: Non-Finnish European, 0.043%; no homozygotes.

Submissions (11):

Women's Health and Genetics/Laboratory Corporation of America, LabCorp
Classification: Likely benign. Last evaluated: 2026-04-02. Review status: criteria provided, single submitter. Criteria: LabCorp Variant Classification Summary - May 2015. Collection method: clinical testing. Allele origin: germline.
Comment: Variant summary: DMD c.2386G>A (p.Val796Ile) results in a conservative amino acid change in the encoded protein sequence. Algorithms developed to predict the effect of missense changes on protein structure and function all suggest that this variant is likely to be tolerated. The variant allele was found at a frequency of 0.00024 in 176544 control chromosomes. The observed variant frequency exceeds the estimated maximal expected allele frequency for disease-causing variants in DMD. c.2386G>A has been reported in the literature in individuals affected with Dystrophinopathies as a benign change (Burstein_2021). These report(s) do not provide unequivocal conclusions about association of the variant with Dystrophinopathies. To our knowledge, no experimental evidence demonstrating an impact on protein function has been reported. The following publication has been ascertained in the context of this evaluation (PMID: 32746448). ClinVar contains an entry for this variant (Variation ID: 94509). Based on the evidence outlined above, the variant was classified as likely benign.

Labcorp Genetics (formerly Invitae), Labcorp
Classification: Benign for Duchenne muscular dystrophy. Last evaluated: 2026-01-19. Review status: criteria provided, single submitter. Criteria: Invitae Variant Classification Sherloc (09022015). Collection method: clinical testing. Allele origin: germline.

Molecular Diagnostic Laboratory for Inherited Cardiovascular Disease, Montreal Heart Institute
Classification: Likely benign. Last evaluated: 2025-04-09. Review status: criteria provided, single submitter. Criteria: ACMG Guidelines, 2015. Collection method: clinical testing. Allele origin: germline. Affected: no.

ARUP Laboratories, Molecular Genetics and Genomics, ARUP Laboratories
Classification: Benign. Last evaluated: 2023-10-26. Review status: criteria provided, single submitter. Criteria: ARUP Molecular Germline Variant Investigation Process 2024. Collection method: clinical testing. Allele origin: germline.

Laboratory for Molecular Medicine, Mass General Brigham Personalized Medicine
Classification: Likely benign. Last evaluated: 2021-09-24. Review status: criteria provided, single submitter. Criteria: ACMG Guidelines, 2015. Collection method: clinical testing. Allele origin: germline.
Comment: The p.Val796Ile variant in DMD is classified as likely benign because it has been identified in 0.11% (9/7571) of Ashkenazi Jewish chromosomes, including 4 hemizygotes, and 0.04% (38/88451) of European chromosomes, include 15 hemizygotes, by gnomAD. Additionally, computational prediction tools and conservation analyses predict that this variant does not impact the protein. ACMG/AMP Criteria applied: BS1, BP4.

GeneDx
Classification: Benign. Last evaluated: 2021-04-28. Review status: criteria provided, single submitter. Criteria: GeneDx Variant Classification Process June 2021. Collection method: clinical testing. Allele origin: germline. Affected: yes.

Ambry Genetics
Classification: Benign for Cardiovascular phenotype. Last evaluated: 2018-05-30. Review status: criteria provided, single submitter. Criteria: Ambry Variant Classification Scheme 2023. Collection method: clinical testing. Allele origin: germline.

Natera, Inc.
Classification: Likely benign for Becker muscular dystrophy; Cardiomyopathy; Duchenne muscular dystrophy; Dystrophin deficiency. Last evaluated: 2017-11-13. Review status: no assertion criteria provided. Collection method: clinical testing. Allele origin: germline. Not counted in ClinVar's aggregate classification.

Clinical Genetics DNA and cytogenetics Diagnostics Lab, Erasmus MC, Erasmus Medical Center
Classification: Likely benign. Review status: no assertion criteria provided. Collection method: clinical testing. Allele origin: germline. Affected: yes. Study: VKGL Data-share Consensus. Not counted in ClinVar's aggregate classification.

Diagnostic Laboratory, Department of Genetics, University Medical Center Groningen
Classification: Likely benign. Review status: no assertion criteria provided. Collection method: clinical testing. Allele origin: germline. Affected: yes. Study: VKGL Data-share Consensus. Not counted in ClinVar's aggregate classification.

Genome Diagnostics Laboratory, University Medical Center Utrecht
Classification: Likely benign. Review status: no assertion criteria provided. Collection method: clinical testing. Allele origin: germline. Affected: yes. Study: VKGL Data-share Consensus. Not counted in ClinVar's aggregate classification.

Literature cited by the submitters: PubMed 32746448 (cited by Women's Health and Genetics/Laboratory Corporation of America, LabCorp).